The following is an entry in ClinVar:

ClinVar aggregate classification (germline): Uncertain significance (1 of 4 stars; one submission).

Allele frequency attached by ClinVar (database versions not stated): TOPMed below 0.00001; gnomAD 0.00001; gnomAD exomes 0.00001; ExAC 0.00002.
gnomAD v4.1: 5 of 1,613,986 alleles (0.00031%); highest among the groups gnomAD compares: Non-Finnish European, 0.00042%; no homozygotes.

Submission:

Labcorp Genetics (formerly Invitae), Labcorp
Classification: Uncertain significance. Last evaluated: 2024-12-31. Review status: criteria provided, single submitter. Criteria: Invitae Variant Classification Sherloc (09022015). Collection method: clinical testing. Allele origin: germline.
Comment: This sequence change replaces lysine, which is basic and polar, with arginine, which is basic and polar, at codon 873 of the RNF31 protein (p.Lys873Arg). This variant is present in population databases (rs767921327, gnomAD 0.002%). This variant has not been reported in the literature in individuals affected with RNF31-related conditions. ClinVar contains an entry for this variant (Variation ID: 2179791). An algorithm developed to predict the effect of missense changes on protein structure and function (PolyPhen-2) suggests that this variant is likely to be tolerated. In summary, the available evidence is currently insufficient to determine the role of this variant in disease. Therefore, it has been classified as a Variant of Uncertain Significance.

NM_017999.5(RNF31):c.2618A>G (p.Lys873Arg)

Gene: RNF31 (ring finger protein 31; plus strand). Cytogenetic location: 14q12.
Variant type: single nucleotide variant.
Coding change: c.2618A>G on transcript NM_017999.5 (MANE Select); coding-DNA position 2618, A replaced by G.
Protein change: p.Lys873Arg; replaces lysine 873 with arginine.
Molecular consequence: missense variant.
Genome position (GRCh38, 1-based): chr14:24,157,529, A>G. VCF-style: chr14-24157529-A-G. GRCh37 (hg19) VCF-style: chr14-24626738-A-G.
Other names: c.2165A>G, p.Lys722Arg (NM_001310332.2); short protein forms K873R, K722R.
Identifiers: ClinVar variation 2179791 (VCV002179791.4), dbSNP rs767921327, ClinGen allele CA7126125.